The following is an entry in ClinVar:

ClinVar aggregate classification (germline): Uncertain significance (1 of 4 stars; one submission).

Allele frequency attached by ClinVar (database versions not stated): gnomAD 0.00001; TOPMed 0.00002; 1000 Genomes Project 30x 0.00016.
gnomAD v4.1: 8 of 1,570,086 alleles (0.00051%); highest among the groups gnomAD compares: African/African-American, 0.004%; no homozygotes.

Submission:

Labcorp Genetics (formerly Invitae), Labcorp
Classification: Uncertain significance. Last evaluated: 2022-10-28. Review status: criteria provided, single submitter. Criteria: Invitae Variant Classification Sherloc (09022015). Collection method: clinical testing. Allele origin: germline.
Comment: In summary, the available evidence is currently insufficient to determine the role of this variant in disease. Therefore, it has been classified as a Variant of Uncertain Significance. Variants that disrupt the consensus splice site are a relatively common cause of aberrant splicing (PMID: 17576681, 9536098). Algorithms developed to predict the effect of sequence changes on RNA splicing suggest that this variant is not likely to affect RNA splicing. This variant has not been reported in the literature in individuals affected with APOA1-related conditions. The frequency data for this variant in the population databases is considered unreliable, as metrics indicate poor data quality at this position in the gnomAD database. This sequence change falls in intron 2 of the APOA1 gene. It does not directly change the encoded amino acid sequence of the APOA1 protein. It affects a nucleotide within the consensus splice site.

Literature cited by the submitters: PubMed 17576681; PubMed 9536098.

NM_000039.3(APOA1):c.43+5G>A

Genes: APOA1 (apolipoprotein A1; minus strand), APOA1-AS (APOA1 antisense RNA; plus strand). Cytogenetic location: 11q23.3.
Variant type: single nucleotide variant.
Coding change: c.43+5G>A on transcript NM_000039.3 (MANE Select); 5 bases into the intron after coding-DNA position 43, G replaced by A.
Molecular consequence: intron variant.
Genome position (GRCh38, 1-based): chr11:116,837,340, C>T on the plus strand (G>A on the coding strand, the complement: APOA1 is on the minus strand). VCF-style: chr11-116837340-C-T. GRCh37 (hg19) VCF-style: chr11-116708056-C-T.
Other names: c.-128+5G>A (NM_001425091.1); c.-241+5G>A (NM_001318021.2); c.-277+5G>A (NM_001425092.1); c.43+5G>A (NM_001425093.1, NM_001318018.2, NM_001318017.2 and 1 more transcripts).
Identifiers: ClinVar variation 1918898 (VCV001918898.5), dbSNP rs993282260, ClinGen allele CA229325710.